The following is an entry in ClinVar:

NM_000051.4(ATM):c.2019G>T (p.Lys673Asn)

Gene: ATM (ATM serine/threonine kinase; plus strand). Cytogenetic location: 11q22.3.
Variant type: single nucleotide variant.
Coding change: c.2019G>T on transcript NM_000051.4 (MANE Select); coding-DNA position 2019, G replaced by T.
Protein change: p.Lys673Asn; replaces lysine 673 with asparagine.
Molecular consequence: missense variant.
Genome position (GRCh38, 1-based): chr11:108,253,934, G>T. VCF-style: chr11-108253934-G-T. GRCh37 (hg19) VCF-style: chr11-108124661-G-T.
Other names: c.2019G>T, p.Lys673Asn (NM_001351834.2); short protein forms K673N.
Identifiers: ClinVar variation 3324315 (VCV003324315.1).

ClinVar aggregate classification (germline): Uncertain significance (1 of 4 stars; one submission).

Conditions:
Hereditary cancer-predisposing syndrome. Also called: Neoplastic Syndromes, Hereditary; Tumor predisposition; Hereditary neoplastic syndrome; Hereditary Cancer Syndrome. Identifiers: Orphanet 140162, MedGen C0027672, MeSH D009386, MONDO:0015356.

Submission:

Ambry Genetics
Classification: Uncertain significance for Hereditary cancer-predisposing syndrome. Last evaluated: 2024-05-04. Review status: criteria provided, single submitter. Criteria: Ambry Variant Classification Scheme 2023. Collection method: clinical testing. Allele origin: germline.
Comment: The p.K673N variant (also known as c.2019G>T), located in coding exon 12 of the ATM gene, results from a G to T substitution at nucleotide position 2019. The lysine at codon 673 is replaced by asparagine, an amino acid with similar properties. This amino acid position is conserved. In addition, this alteration is predicted to be tolerated by in silico analysis. Based on the available evidence, the clinical significance of this variant remains unclear.